The following is an entry in ClinVar:

NM_001291415.2(KDM6A):c.3832C>G (p.His1278Asp)

Gene: KDM6A (lysine demethylase 6A; plus strand). Cytogenetic location: Xp11.3.
Variant type: single nucleotide variant.
Coding change: c.3832C>G on transcript NM_001291415.2 (MANE Select); coding-DNA position 3832, C replaced by G.
Protein change: p.His1278Asp; replaces histidine 1278 with aspartic acid.
Molecular consequence: missense variant. On other transcripts: non-coding transcript variant (1).
Genome position (GRCh38, 1-based): chrX:45,089,870, C>G. VCF-style: chrX-45089870-C-G. GRCh37 (hg19) VCF-style: chrX-44949115-C-G.
Other names: c.3697C>G, p.His1233Asp (NM_001291416.2); c.3541C>G, p.His1181Asp (NM_001291417.2); c.3439C>G, p.His1147Asp (NM_001291418.2); c.2788C>G, p.His930Asp (NM_001291421.2); c.3574C>G, p.His1192Asp (NM_001410742.1); c.3676C>G, p.His1226Asp (NM_021140.4); short protein forms H1147D, H1181D, H1192D, H1226D, H1233D, H1278D, H930D.
Identifiers: ClinVar variation 1706222 (VCV001706222.2), dbSNP rs868518147, ClinGen allele CA412807361.

ClinVar aggregate classification (germline): Uncertain significance (1 of 4 stars; one submission).

Submission:

GeneDx
Classification: Uncertain significance. Last evaluated: 2022-03-18. Review status: criteria provided, single submitter. Criteria: GeneDx Variant Classification Process June 2021. Collection method: clinical testing. Allele origin: germline. Affected: yes.
Comment: Not observed at significant frequency in large population cohorts (gnomAD); In silico analysis supports that this missense variant has a deleterious effect on protein structure/function; Has not been previously published as pathogenic or benign to our knowledge